The following is an entry in ClinVar:

NM_138694.4(PKHD1):c.5582T>C (p.Phe1861Ser)

Gene: PKHD1 (PKHD1 ciliary IPT domain containing fibrocystin/polyductin; minus strand). Cytogenetic location: 6p12.2.
Variant type: single nucleotide variant.
Coding change: c.5582T>C on transcript NM_138694.4 (MANE Select); coding-DNA position 5582, T replaced by C.
Protein change: p.Phe1861Ser; replaces phenylalanine 1861 with serine.
Molecular consequence: missense variant.
Genome position (GRCh38, 1-based): chr6:52,017,428, A>G on the plus strand (T>C on the coding strand, the complement: PKHD1 is on the minus strand). VCF-style: chr6-52017428-A-G. GRCh37 (hg19) VCF-style: chr6-51882226-A-G.
Other names: c.5582T>C, p.Phe1861Ser (NM_170724.3); short protein forms F1861S.
Identifiers: ClinVar variation 3383103 (VCV003383103.2).
Genomic context (GRCh38, chr6:52,017,428, plus strand): 5'-AGCATTTGTGGGGAAGTTCAGGGAGGGAGAAGGTAAAGTTACCTGATAAAGAGGCCCGAG[A>G]ATGATGGAAACATTGACTCTGCCCAATGATCTGGCACAAAGAGGCATTGGGAACTTTCCT-3'
Protein context (NP_619639.3, residues 1851-1871): DHWAESMFPS[Phe1861Ser]SGLFISPKLE

ClinVar aggregate classification (germline): Uncertain significance (1 of 4 stars; one submission).

Conditions:
Polycystic kidney disease 4 (PKD4). Also called: POLYCYSTIC KIDNEY AND HEPATIC DISEASE 1; POLYCYSTIC KIDNEY DISEASE, INFANTILE, TYPE I; PKD3; Autosomal Recessive Polycystic Kidney Disease – PKHD1; POLYCYSTIC KIDNEY DISEASE 4 WITH OR WITHOUT POLYCYSTIC LIVER DISEASE. Identifiers: MedGen C4540575, MONDO:0033004, OMIM 263200.

Submission:

Juno Genomics, Hangzhou Juno Genomics, Inc
Classification: Uncertain significance for Polycystic kidney disease 4. Review status: criteria provided, single submitter. Criteria: ACMG Guidelines, 2015. Collection method: clinical testing. Allele origin: germline. Affected: yes.
Comment: Absent from controls (or at extremely low frequency if recessive) in Genome Aggregation Database, Exome Sequencing Project, 1000 Genomes Project, or Exome Aggregation Consortium.;For recessive disorders, detected in trans with a pathogenic variant.